The following is an entry in ClinVar:

NM_006739.4(MCM5):c.632C>G (p.Pro211Arg)

Gene: MCM5 (minichromosome maintenance complex component 5; plus strand). Cytogenetic location: 22q12.3.
Variant type: single nucleotide variant.
Coding change: c.632C>G on transcript NM_006739.4 (MANE Select); coding-DNA position 632, C replaced by G.
Protein change: p.Pro211Arg; replaces proline 211 with arginine.
Molecular consequence: missense variant.
Genome position (GRCh38, 1-based): chr22:35,408,443, C>G. VCF-style: chr22-35408443-C-G. GRCh37 (hg19) VCF-style: chr22-35804436-C-G.
Other names: short protein forms P211R.
Identifiers: ClinVar variation 3691327 (VCV003691327.2).

ClinVar aggregate classification (germline): Uncertain significance (1 of 4 stars; one submission).

gnomAD v4.1: 2 of 1,614,078 alleles (0.00012%); highest among the groups gnomAD compares: Non-Finnish European, 0.00017%; no homozygotes.

Submission:

Labcorp Genetics (formerly Invitae), Labcorp
Classification: Uncertain significance. Last evaluated: 2024-11-04. Review status: criteria provided, single submitter. Criteria: Invitae Variant Classification Sherloc (09022015). Collection method: clinical testing. Allele origin: germline.
Comment: This sequence change replaces proline, which is neutral and non-polar, with arginine, which is basic and polar, at codon 211 of the MCM5 protein (p.Pro211Arg). This variant is not present in population databases (gnomAD no frequency). This variant has not been reported in the literature in individuals affected with MCM5-related conditions. Invitae Evidence Modeling of protein sequence and biophysical properties (such as structural, functional, and spatial information, amino acid conservation, physicochemical variation, residue mobility, and thermodynamic stability) indicates that this missense variant is expected to disrupt MCM5 protein function with a positive predictive value of 80%. In summary, the available evidence is currently insufficient to determine the role of this variant in disease. Therefore, it has been classified as a Variant of Uncertain Significance.